The following is an entry in ClinVar:

ClinVar aggregate classification (germline): Conflicting classifications of pathogenicity. Review status: criteria provided, conflicting classifications (1 of 4 stars). 2 submissions from 2 submitters: Uncertain significance (1); Likely benign (1). Last evaluated 2025-05-13.

Conditions:
Hereditary cancer-predisposing syndrome. Also called: Neoplastic Syndromes, Hereditary; Tumor predisposition; Hereditary Cancer Syndrome; Hereditary neoplastic syndrome. Identifiers: Orphanet 140162, MedGen C0027672, MeSH D009386, MONDO:0015356.
Hereditary nonpolyposis colorectal neoplasms. Identifiers: MedGen C0009405, MeSH D003123.

Submissions (2):

Ambry Genetics
Classification: Likely benign for Hereditary cancer-predisposing syndrome. Last evaluated: 2025-05-13. Review status: criteria provided, single submitter. Criteria: Ambry Variant Classification Scheme 2023. Collection method: clinical testing. Allele origin: germline.

Labcorp Genetics (formerly Invitae), Labcorp
Classification: Uncertain significance for Hereditary nonpolyposis colorectal neoplasms. Last evaluated: 2023-01-26. Review status: criteria provided, single submitter. Criteria: Invitae Variant Classification Sherloc (09022015). Collection method: clinical testing. Allele origin: germline.
Comment: In summary, the available evidence is currently insufficient to determine the role of this variant in disease. Therefore, it has been classified as a Variant of Uncertain Significance. Advanced modeling of protein sequence and biophysical properties (such as structural, functional, and spatial information, amino acid conservation, physicochemical variation, residue mobility, and thermodynamic stability) performed at Invitae indicates that this missense variant is not expected to disrupt PMS2 protein function. ClinVar contains an entry for this variant (Variation ID: 231257). This variant has not been reported in the literature in individuals affected with PMS2-related conditions. This variant is not present in population databases (gnomAD no frequency). This sequence change replaces isoleucine, which is neutral and non-polar, with valine, which is neutral and non-polar, at codon 144 of the PMS2 protein (p.Ile144Val).

NM_000535.7(PMS2):c.430A>G (p.Ile144Val)

Gene: PMS2 (PMS1 homolog 2, mismatch repair system component; minus strand). Cytogenetic location: 7p22.1.
Variant type: single nucleotide variant.
Coding change: c.430A>G on transcript NM_000535.7 (MANE Select); coding-DNA position 430, A replaced by G.
Protein change: p.Ile144Val; replaces isoleucine 144 with valine.
Molecular consequence: missense variant. On other transcripts: 5 prime UTR variant (2), non-coding transcript variant (1).
Genome position (GRCh38, 1-based): chr7:6,002,560, T>C on the plus strand (A>G on the coding strand, the complement: PMS2 is on the minus strand). VCF-style: chr7-6002560-T-C. GRCh37 (hg19) VCF-style: chr7-6042191-T-C.
Other names: c.25A>G, p.Ile9Val (NM_001322003.2, NM_001322004.2, NM_001322005.2 and 3 more transcripts); c.430A>G, p.Ile144Val (NM_001322006.2, NM_001322014.2); c.112A>G, p.Ile38Val (NM_001322007.2, NM_001322008.2); c.-455A>G (NM_001322011.2, NM_001322012.2); c.121A>G, p.Ile41Val (NM_001322015.2); short protein forms I144V, I38V, I41V, I9V.
Identifiers: ClinVar variation 231257 (VCV000231257.15), dbSNP rs876659055, ClinGen allele CA10578712.
Genomic context (GRCh38, chr7:6,002,560, plus strand): 5'-AAAATAACTGCTGCACGCTGACTGTGGTCCCTCTGGGGCGGGGGTAGGGGGTTTTCTGGA[T>C]AATTTTCCCATTGTGATCAAACATCAGTCGAGTTCCAACCTTCGCCGATGCGTGGCAGGT-3'
Protein context (NP_000526.2, residues 134-154): RLMFDHNGKI[Ile144Val]QKTPYPRPRG